The following is an entry in ClinVar:

NM_177438.3(DICER1):c.308-2A>G

Gene: DICER1 (dicer 1, ribonuclease III; minus strand). Cytogenetic location: 14q32.13.
Variant type: single nucleotide variant.
Coding change: c.308-2A>G on transcript NM_177438.3 (MANE Select); the canonical splice acceptor site of the intron before coding-DNA position 308, A replaced by G.
Molecular consequence: splice acceptor variant. On other transcripts: intron variant (7).
Genome position (GRCh38, 1-based): chr14:95,131,641, T>C on the plus strand (A>G on the coding strand, the complement: DICER1 is on the minus strand). VCF-style: chr14-95131641-T-C. GRCh37 (hg19) VCF-style: chr14-95597978-T-C.
Other names: c.308-2A>G (NM_001291628.2, NM_030621.4, NM_001395677.1 and 14 more transcripts); c.33+874A>G (NM_001395690.1, NM_001395687.1, NM_001395689.1 and 3 more transcripts); c.34-10A>G (NM_001395686.1); c.-151-2A>G (NM_001395691.1); c.-1261-2A>G (NM_001395697.1).
Identifiers: ClinVar variation 2039811 (VCV002039811.4), dbSNP rs2543344129, ClinGen allele CA390889539.
Genomic context (GRCh38, chr14:95,131,641, plus strand): 5'-CCCAACCTTGAGATCTGAATGAGTTCTGACAGCTGACACTTGTTGAGCAACCTGGTTTGC[T>C]AATTACAAATATAATACTCCATGTAAATATGAGAAATCTTGCCTAGTTGGCTCTCTGGAC-3'

ClinVar aggregate classification (germline): Likely pathogenic (1 of 4 stars; one submission).

Conditions:
DICER1-related tumor predisposition. Also called: DICER1-related pleuropulmonary blastoma cancer predisposition syndrome; DICER1 syndrome. Identifiers: Orphanet 284343, MedGen C3839822, MONDO:0100216.

Submission:

Labcorp Genetics (formerly Invitae), Labcorp
Classification: Likely pathogenic for DICER1-related tumor predisposition. Last evaluated: 2022-04-10. Review status: criteria provided, single submitter. Criteria: Invitae Variant Classification Sherloc (09022015). Collection method: clinical testing. Allele origin: germline.
Comment: In summary, the currently available evidence indicates that the variant is pathogenic, but additional data are needed to prove that conclusively. Therefore, this variant has been classified as Likely Pathogenic. Algorithms developed to predict the effect of sequence changes on RNA splicing suggest that this variant may disrupt the consensus splice site. This variant has not been reported in the literature in individuals affected with DICER1-related conditions. This variant is not present in population databases (gnomAD no frequency). This sequence change affects an acceptor splice site in intron 3 of the DICER1 gene. It is expected to disrupt RNA splicing. Variants that disrupt the donor or acceptor splice site typically lead to a loss of protein function (PMID: 16199547), and loss-of-function variants in DICER1 are known to be pathogenic (PMID: 19556464, 21266384).

Literature cited by the submitters: PubMed 16199547; PubMed 19556464; PubMed 21266384.